The following is an entry in ClinVar:

ClinVar aggregate classification (germline): Uncertain significance. Review status: criteria provided, multiple submitters, no conflicts (2 of 4 stars). 11 submissions from 11 submitters: Uncertain significance (11). Last evaluated 2026-01-05.

Conditions:
Cardiovascular phenotype. Identifiers: MedGen CN230736.
Left ventricular noncompaction 10 (LVNC10). Identifiers: Orphanet 154, Orphanet 54260, MedGen C3715165, MONDO:0014163, OMIM 615396.
Hypertrophic cardiomyopathy 4. Also called: Familial hypertrophic cardiomyopathy 4. Identifiers: MedGen C1861862, MONDO:0007268, OMIM 115197.
Cardiomyopathy (CMYO). Also called: Cardiomyopathies. Identifiers: Orphanet 167848, MedGen C0878544, MONDO:0004994, HP:0001638. Inheritance: Various modes of inheritance.
Hypertrophic cardiomyopathy. Also called: HYPERTROPHIC MYOCARDIOPATHY. Identifiers: Orphanet 217569, MedGen C0007194, MeSH D002312, MONDO:0005045, HP:0001639.

Allele frequency attached by ClinVar (database versions not stated): gnomAD exomes 0.00001 and below 0.00001.
gnomAD v4.1: 6 of 1,609,832 alleles (0.00037%); highest among the groups gnomAD compares: South Asian, 0.0022%; no homozygotes.

Submissions (11):

Labcorp Genetics (formerly Invitae), Labcorp
Classification: Uncertain significance for Hypertrophic cardiomyopathy. Last evaluated: 2026-01-05. Review status: criteria provided, single submitter. Criteria: Invitae Variant Classification Sherloc (09022015). Collection method: clinical testing. Allele origin: germline.
Comment: This sequence change replaces arginine, which is basic and polar, with glutamine, which is neutral and polar, at codon 1033 of the MYBPC3 protein (p.Arg1033Gln). This variant is present in population databases (rs397516003, gnomAD 0.006%). This missense change has been observed in individual(s) with hypertrophic cardiomyopathy (PMID: 27532257, 28679633, 29121657, 31513939, 33658040, 33782553, 35626289, 37652022). ClinVar contains an entry for this variant (Variation ID: 42686). An algorithm developed to predict the effect of missense changes on protein structure and function (PolyPhen-2) suggests that this variant is likely to be disruptive. In summary, the available evidence is currently insufficient to determine the role of this variant in disease. Therefore, it has been classified as a Variant of Uncertain Significance.

3billion
Classification: Uncertain significance for Hypertrophic cardiomyopathy 4. Last evaluated: 2025-02-04. Review status: criteria provided, single submitter. Criteria: ACMG Guidelines, 2015. Collection method: clinical testing. Allele origin: germline. Affected: yes.
Comment: The variant is observed at an extremely low frequency in the gnomAD v4.1.0 dataset (total allele frequency: <0.001%). Predicted Consequence/Location: Missense variant In silico tools predict the variant to alter splicing and produce an abnormal transcript [SpliceAI: 0.46 (>=0.2, moderate evidence for spliceogenicity)]. The same nucleotide change resulting in the same amino acid change has been previously reported to be associated with MYBPC3-related disorder (PMID: 20474083). A different missense change at the same codon (p.Arg1033Trp) has been reported to be associated with MYBPC3-related disorder (PMID: 23283745). However, the evidence of pathogenicity is insufficient at this time. Therefore, this variant is classified as VUS according to the recommendation of ACMG/AMP guideline.

Genomic Medicine Center of Excellence, King Faisal Specialist Hospital and Research Centre
Classification: Uncertain significance for Hypertrophic cardiomyopathy 4. Last evaluated: 2024-03-25. Review status: criteria provided, single submitter. Criteria: ACMG Guidelines, 2015. Collection method: research. Allele origin: germline.

All of Us Research Program, National Institutes of Health
Classification: Uncertain significance for Hypertrophic cardiomyopathy. Last evaluated: 2024-03-05. Review status: criteria provided, single submitter. Criteria: ACMG Guidelines, 2015. Collection method: clinical testing. Allele origin: germline. Inheritance: Autosomal dominant inheritance. Observed: 3 variant alleles, 1 heterozygote, 2 homozygotes.
Comment: This missense variant replaces arginine with glutamine at codon 1033 of the MYBPC3 protein. Computational prediction suggests that this variant may not impact protein structure and function (internally defined REVEL score threshold <= 0.5, PMID: 27666373). Splice site prediction tools indicate that this variant may activate a novel acceptor site, however a functional RNA minigene assay showed inconclusive splice effects (PMID: 28679633). This variant has been reported in at individuals affected with hypertrophic cardiomyopathy (PMID: 27532257, 29121657, 31513939, 33658040, 33782553; Chung 2018, dissertation, Yonsei University). This variant has been identified in 2/246292 chromosomes in the general population by the Genome Aggregation Database (gnomAD). The available evidence is insufficient to determine the role of this variant in disease conclusively. Therefore, this variant is classified as a Variant of Uncertain Significance.

This study involves interpretation of variants in research participants for the purpose of population health screening. Participant phenotype was not available at the time of variant classification. Additional details can be found in publication PMID: 35346344, PMCID: PMC8962531

CHEO Genetics Diagnostic Laboratory, Children's Hospital of Eastern Ontario
Classification: Uncertain significance for Cardiomyopathy. Last evaluated: 2022-03-16. Review status: criteria provided, single submitter. Criteria: ACMG Guidelines, 2015. Collection method: clinical testing. Allele origin: germline.

Fulgent Genetics
Classification: Uncertain significance for Hypertrophic cardiomyopathy 4; Left ventricular noncompaction 10. Last evaluated: 2022-02-24. Review status: criteria provided, single submitter. Criteria: ACMG Guidelines, 2015. Collection method: clinical testing. Allele origin: unknown.

Ambry Genetics
Classification: Uncertain significance for Cardiovascular phenotype. Last evaluated: 2019-12-23. Review status: criteria provided, single submitter. Criteria: Ambry Variant Classification Scheme 2023. Collection method: clinical testing. Allele origin: germline.

Laboratory for Molecular Medicine, Mass General Brigham Personalized Medicine
Classification: Uncertain significance. Last evaluated: 2019-08-29. Review status: criteria provided, single submitter. Criteria: LMM Criteria. Collection method: clinical testing. Allele origin: germline. Observed: 1 variant allele.
Comment: The p.Arg1033Gln variant in MYBPC3 has been identified in 2 individuals with HCM (Viswanathan 2017, LMM data). It was also identified in 2/246292 chromosomes by gnomAD and has been reported in ClinVar (Variation ID#42686). Computational tools suggest that this variant may impact protein function; however, this information is not predictive enough to determine pathogenicity. In summary, the clinical significance of this variant is uncertain. ACMG/AMP Criteria applied: PM2, PP3, PS4_Supporting.

Center for Human Genetics, University of Leuven
Classification: Uncertain significance for Hypertrophic cardiomyopathy. Last evaluated: 2018-10-31. Review status: criteria provided, single submitter. Criteria: ACMG Guidelines, 2015. Collection method: clinical testing. Allele origin: germline. Affected: yes.

GeneDx
Classification: Uncertain significance. Last evaluated: 2017-04-25. Review status: criteria provided, single submitter. Criteria: GeneDx Variant Classification (06012015). Collection method: clinical testing. Allele origin: germline. Affected: yes.
Comment: A variant of uncertain significance has been identified in the MYBPC3 gene. The Arg1033Gln (R1033Q) variant variant has been previously reported in association with DCM (Zimmerman et al., 2010), however, clinical details regarding the patient, or the patient cohort where this variant was identified, were not described. This variant is not observed in large population cohorts (Lek et al., 2016; 1000 Genomes Consortium et al., 2015; Exome Variant Server). The R1033Q variant is a semi-conservative amino acid substitution, which may impact secondary protein structure as these residues differ in some properties. This substitution occurs at a position that is conserved across species and in silico analysis predicts this variant is probably damaging to the protein structure/function. However, while a missense variant in the same residue (R1033Q) in nearby residues (T1028I, T1028S, R1036C, R1037C) have been reported in the Human Gene Mutation Database in association with cardiomyopathy (Stenson et al., 2014), the pathogenicity of these variants has not been definitively determined.

Stanford Center for Inherited Cardiovascular Disease, Stanford University
Classification: Uncertain significance. Last evaluated: 2013-05-31. Review status: criteria provided, single submitter. Criteria: ACMG Guidelines, 2015. Collection method: provider interpretation. Allele origin: germline.

Literature cited by the submitters: PubMed 27532257 (cited by 3 submitters); PubMed 28679633 (cited by 3 submitters); PubMed 29121657 (cited by 3 submitters); PubMed 31513939 (cited by Labcorp Genetics (formerly Invitae), Labcorp and All of Us Research Program, National Institutes of Health); PubMed 33658040 (cited by Labcorp Genetics (formerly Invitae), Labcorp and All of Us Research Program, National Institutes of Health); PubMed 33782553 (cited by Labcorp Genetics (formerly Invitae), Labcorp and All of Us Research Program, National Institutes of Health); PubMed 35626289 (cited by Labcorp Genetics (formerly Invitae), Labcorp); PubMed 37652022 (cited by Labcorp Genetics (formerly Invitae), Labcorp); PubMed 23283745 (cited by 3billion); PubMed 20474083 (cited by 3billion and Laboratory for Molecular Medicine, Mass General Brigham Personalized Medicine).

NM_000256.3(MYBPC3):c.3098G>A (p.Arg1033Gln)

Gene: MYBPC3 (myosin binding protein C3; minus strand). Cytogenetic location: 11p11.2.
Variant type: single nucleotide variant.
Coding change: c.3098G>A on transcript NM_000256.3 (MANE Select); coding-DNA position 3098, G replaced by A.
Protein change: p.Arg1033Gln; replaces arginine 1033 with glutamine.
Molecular consequence: missense variant.
Genome position (GRCh38, 1-based): chr11:47,333,649, C>T on the plus strand (G>A on the coding strand, the complement: MYBPC3 is on the minus strand). VCF-style: chr11-47333649-C-T. GRCh37 (hg19) VCF-style: chr11-47355200-C-T.
Other names: p.R1033Q:CGG>CAG; short protein forms R1033Q.
Identifiers: ClinVar variation 42686 (VCV000042686.23), dbSNP rs397516003, ClinGen allele CA013470.